The following is an entry in ClinVar:

ClinVar aggregate classification (germline): Uncertain significance. Review status: criteria provided, multiple submitters, no conflicts (2 of 4 stars). 2 submissions from 2 submitters: Uncertain significance (2). Last evaluated 2025-11-25.

Conditions:
Catecholaminergic polymorphic ventricular tachycardia 1. Also called: VENTRICULAR TACHYCARDIA, CATECHOLAMINERGIC POLYMORPHIC, 1, WITH OR WITHOUT ATRIAL DYSFUNCTION AND/OR DILATED CARDIOMYOPATHY; RYR2-Related Catecholaminergic Polymorphic Ventricular Tachycardia; VENTRICULAR TACHYCARDIA, STRESS-INDUCED POLYMORPHIC 1. Identifiers: Orphanet 3286, MedGen C1631597, MONDO:0011484, OMIM 604772.
Cardiovascular phenotype. Identifiers: MedGen CN230736.

gnomAD v4.1: 1 of 1,613,960 alleles (0.000062%); highest among the groups gnomAD compares: Non-Finnish European, 0.000085%; no homozygotes.

Submissions (2):

Labcorp Genetics (formerly Invitae), Labcorp
Classification: Uncertain significance for Catecholaminergic polymorphic ventricular tachycardia 1. Last evaluated: 2025-11-25. Review status: criteria provided, single submitter. Criteria: Invitae Variant Classification Sherloc (09022015). Collection method: clinical testing. Allele origin: germline.
Comment: This sequence change replaces isoleucine, which is neutral and non-polar, with methionine, which is neutral and non-polar, at codon 1012 of the RYR2 protein (p.Ile1012Met). This variant is not present in population databases (gnomAD no frequency). This variant has not been reported in the literature in individuals affected with RYR2-related conditions. ClinVar contains an entry for this variant (Variation ID: 1799087). Invitae Evidence Modeling of protein sequence and biophysical properties (such as structural, functional, and spatial information, amino acid conservation, physicochemical variation, residue mobility, and thermodynamic stability) indicates that this missense variant is not expected to disrupt RYR2 protein function with a negative predictive value of 95%. In summary, the available evidence is currently insufficient to determine the role of this variant in disease. Therefore, it has been classified as a Variant of Uncertain Significance.

Ambry Genetics
Classification: Uncertain significance for Cardiovascular phenotype. Last evaluated: 2019-08-12. Review status: criteria provided, single submitter. Criteria: Ambry Variant Classification Scheme 2023. Collection method: clinical testing. Allele origin: germline.
Comment: The p.I1012M variant (also known as c.3036C>G), located in coding exon 26 of the RYR2 gene, results from a C to G substitution at nucleotide position 3036. The isoleucine at codon 1012 is replaced by methionine, an amino acid with highly similar properties. This amino acid position is well conserved in available vertebrate species. In addition, the in silico prediction for this alteration is inconclusive. Since supporting evidence is limited at this time, the clinical significance of this alteration remains unclear.

NM_001035.3(RYR2):c.3036C>G (p.Ile1012Met)

Gene: RYR2 (ryanodine receptor 2; plus strand). Cytogenetic location: 1q43.
Variant type: single nucleotide variant.
Coding change: c.3036C>G on transcript NM_001035.3 (MANE Select); coding-DNA position 3036, C replaced by G.
Protein change: p.Ile1012Met; replaces isoleucine 1012 with methionine.
Molecular consequence: missense variant.
Genome position (GRCh38, 1-based): chr1:237,548,560, C>G. VCF-style: chr1-237548560-C-G. GRCh37 (hg19) VCF-style: chr1-237711860-C-G.
Other names: short protein forms I1012M.
Identifiers: ClinVar variation 1799087 (VCV001799087.3), dbSNP rs2546277954, ClinGen allele CA345393693.